The following is an entry in ClinVar:

ClinVar aggregate classification (germline): Conflicting classifications of pathogenicity. Review status: criteria provided, conflicting classifications (1 of 4 stars). 2 submissions from 2 submitters: Likely pathogenic (1); Uncertain significance (1). Last evaluated 2023-06-14.

Allele frequency attached by ClinVar (database versions not stated): gnomAD exomes below 0.00001.
gnomAD v4.1: 1 of 1,563,140 alleles (0.000064%); highest among the groups gnomAD compares: African/African-American, 0.0014%; no homozygotes.

Submissions (2):

Labcorp Genetics (formerly Invitae), Labcorp
Classification: Likely pathogenic. Last evaluated: 2023-06-14. Review status: criteria provided, single submitter. Criteria: Invitae Variant Classification Sherloc (09022015). Collection method: clinical testing. Allele origin: germline.
Comment: This variant is not present in population databases (gnomAD no frequency). In summary, the currently available evidence indicates that the variant is pathogenic, but additional data are needed to prove that conclusively. Therefore, this variant has been classified as Likely Pathogenic. Advanced modeling of protein sequence and biophysical properties (such as structural, functional, and spatial information, amino acid conservation, physicochemical variation, residue mobility, and thermodynamic stability) performed at Invitae indicates that this missense variant is expected to disrupt MYO7A protein function. ClinVar contains an entry for this variant (Variation ID: 1303075). This missense change has been observed in individual(s) with Usher syndrome (PMID: 25333064). This sequence change replaces histidine, which is basic and polar, with arginine, which is basic and polar, at codon 2014 of the MYO7A protein (p.His2014Arg).

GeneDx
Classification: Uncertain significance. Last evaluated: 2019-12-09. Review status: criteria provided, single submitter. Criteria: GeneDx Variant Classification Process June 2021. Collection method: clinical testing. Allele origin: germline. Affected: yes.
Comment: Not observed in large population cohorts (Lek et al., 2016); In silico analysis, which includes protein predictors and evolutionary conservation, supports a deleterious effect; This variant is associated with the following publications: (PMID: 25333064)

Literature cited by the submitters: PubMed 25333064 (cited by Labcorp Genetics (formerly Invitae), Labcorp).

NM_000260.4(MYO7A):c.6041A>G (p.His2014Arg)

Gene: MYO7A (myosin VIIA; plus strand). Cytogenetic location: 11q13.5.
Variant type: single nucleotide variant.
Coding change: c.6041A>G on transcript NM_000260.4 (MANE Select); coding-DNA position 6041, A replaced by G.
Protein change: p.His2014Arg; replaces histidine 2014 with arginine.
Molecular consequence: missense variant.
Genome position (GRCh38, 1-based): chr11:77,208,793, A>G. VCF-style: chr11-77208793-A-G. GRCh37 (hg19) VCF-style: chr11-76919838-A-G.
Other names: c.5927A>G, p.His1976Arg (NM_001127180.2); c.5894A>G, p.His1965Arg (NM_001369365.1); short protein forms H1965R, H1976R, H2014R.
Identifiers: ClinVar variation 1303075 (VCV001303075.5), dbSNP rs2135762079, ClinGen allele CA381934726.